The following is an entry in ClinVar:

ClinVar aggregate classification (germline): Pathogenic (1 of 4 stars; one submission).

Submission:

ARUP Laboratories, Molecular Genetics and Genomics, ARUP Laboratories
Classification: Pathogenic. Last evaluated: 2024-09-09. Review status: criteria provided, single submitter. Criteria: ARUP Molecular Germline Variant Investigation Process 2024. Collection method: clinical testing. Allele origin: germline.
Comment: The NF1 c.7526del; p.Pro2509GlnfsTer14 variant, also known as c.7463delC for NM_000267.3, is reported in the literature in multiple individuals affected with Neurofibromatosis type1 (Ho 2022). This variant is absent from the Genome Aggregation Database (v2.1.1), indicating it is not a common polymorphism. This variant causes a frameshift by deleting a single nucleotide, so it is predicted to result in a truncated protein or mRNA subject to nonsense-mediated decay. Based on available information, this variant is considered to be pathogenic. References: Ho SK et al. Old and new perspectives on Neurofibromatosis type 1: Clinical and molecular characterization of 832 patients from a single centre over 16 years. Eur J Med Genet. 2022 Apr;65(4):104474. PMID: 35240321.

NM_001042492.3(NF1):c.7526del (p.Pro2509fs)

Gene: NF1 (neurofibromin 1; plus strand). Cytogenetic location: 17q11.2.
Variant type: Deletion.
Coding change: c.7526del on transcript NM_001042492.3 (MANE Select); coding-DNA position 7526, one base deleted (C; older notation c.7526delC).
Protein change: p.Pro2509fs; shifts the reading frame from proline 2509.
Molecular consequence: frameshift variant.
Genome position (GRCh38, 1-based): chr17:31,352,325, C deleted; the last of 2 consecutive C bases (chr17:31,352,324-31,352,325); deleting either gives the same sequence. VCF-style (leftmost placement, unchanged base first): chr17-31352323-TC-T. GRCh37 (hg19) VCF-style: chr17-29679341-TC-T.
Other names: c.7463delC, p.Pro2488Glnfs (NM_000267.4); short protein forms P2488fs, P2509fs.
Identifiers: ClinVar variation 3766820 (VCV003766820.1).
Genomic context (GRCh38, chr17:31,352,323, plus strand): 5'-AAAGGAGACTCAGCCATGGTCCTCTCCCAAAGGTTCTGAAGGATACCTTGCAGCCACCTA[TC>T]CAACTGTCGGCCAGACCAGTCCCCGAGCCAGGAAATCCATGAGCCTGGACATGGGGCAAC-3'